The following is an entry in ClinVar:

ClinVar aggregate classification (germline): Pathogenic/Likely pathogenic. Review status: criteria provided, multiple submitters, no conflicts (2 of 4 stars). 4 submissions from 4 submitters: Pathogenic (2); Likely pathogenic (1). 1 of the submissions does not count toward it. Last evaluated 2025-01-05.

Conditions:
SOX9-related disorder. Also called: SOX9-related condition.
Camptomelic dysplasia (CMPD). Also called: CMPD1/SRA1; Campomelic Dysplasia. Identifiers: Orphanet 140, MedGen C1861922, MONDO:0007251, OMIM 114290.
CAMPOMELIC DYSPLASIA WITH AUTOSOMAL SEX REVERSAL. Identifiers: MedGen C1842462, OMIM 114290.

Submissions (4):

GeneDx
Classification: Likely pathogenic. Last evaluated: 2025-01-05. Review status: criteria provided, single submitter. Criteria: GeneDx Variant Classification Process June 2021. Collection method: clinical testing. Allele origin: germline. Affected: yes.
Comment: Frameshift variant predicted to result in abnormal protein length as the last 246 amino acid(s) are replaced with 31 different amino acid(s), and other similar variants have been reported in HGMD; Not observed at significant frequency in large population cohorts (gnomAD); This variant is associated with the following publications: (PMID: 7990924)

PreventionGenetics, part of Exact Sciences
Classification: Pathogenic for SOX9-related condition. Last evaluated: 2024-12-27. Review status: criteria provided, single submitter. Criteria: ACMG Guidelines, 2015. Collection method: clinical testing. Allele origin: germline.
Comment: The SOX9 c.788dupG variant is predicted to result in a frameshift and premature protein termination (p.Arg264Glnfs*32). This variant has not been reported in a large population database (gnomAD), indicating this variant is rare. Frameshift variants in SOX9 are expected to be pathogenic. This variant is interpreted as pathogenic.

Labcorp Genetics (formerly Invitae), Labcorp
Classification: Pathogenic for Camptomelic dysplasia. Last evaluated: 2022-09-27. Review status: criteria provided, single submitter. Criteria: Invitae Variant Classification Sherloc (09022015). Collection method: clinical testing. Allele origin: germline.
Comment: ClinVar contains an entry for this variant (Variation ID: 2507). This premature translational stop signal has been observed in individual(s) with campomelic dysplasia (PMID: 7990924). This variant is not present in population databases (gnomAD no frequency). This sequence change creates a premature translational stop signal (p.Arg264Glnfs*32) in the SOX9 gene. While this is not anticipated to result in nonsense mediated decay, it is expected to disrupt the last 246 amino acid(s) of the SOX9 protein. For these reasons, this variant has been classified as Pathogenic. This variant disrupts a region of the SOX9 protein in which other variant(s) (p.Arg394*) have been determined to be pathogenic (PMID: 31389106; Invitae). This suggests that this is a clinically significant region of the protein, and that variants that disrupt it are likely to be disease-causing.

OMIM
Classification: Pathogenic for CAMPOMELIC DYSPLASIA WITH AUTOSOMAL SEX REVERSAL. Last evaluated: 1994-12-08. Review status: no assertion criteria provided. Collection method: literature only. Allele origin: germline. Not counted in ClinVar's aggregate classification.

Literature cited by the submitters: PubMed 7990924 (cited by Labcorp Genetics (formerly Invitae), Labcorp and OMIM); PubMed 31389106 (cited by Labcorp Genetics (formerly Invitae), Labcorp).

NM_000346.4(SOX9):c.788dup (p.Arg264fs)

Gene: SOX9 (SRY-box transcription factor 9; plus strand). Cytogenetic location: 17q24.3.
Variant type: Duplication.
Coding change: c.788dup on transcript NM_000346.4 (MANE Select); coding-DNA position 788, one base duplicated (G; older notation c.788dupG).
Protein change: p.Arg264fs; shifts the reading frame from arginine 264.
Molecular consequence: frameshift variant.
Genome position (GRCh38, 1-based): chr17:72,123,645, G duplicated; the last of 6 consecutive G bases (chr17:72,123,640-72,123,645); duplicating any one gives the same sequence. VCF-style (leftmost placement, unchanged base first): chr17-72123639-A-AG. GRCh37 (hg19) VCF-style: chr17-70119780-A-AG.
Other names: c.788dupG (NM_000346.3); short protein forms R264fs.
Identifiers: ClinVar variation 2507 (VCV000002507.8), dbSNP rs1274036689, ClinGen allele CA501352038.